The following is an entry in ClinVar:

NM_006073.4(TRDN):c.1992A>G (p.Val664=)

Gene: TRDN (triadin; minus strand). Cytogenetic location: 6q22.31.
Variant type: single nucleotide variant.
Coding change: c.1992A>G on transcript NM_006073.4 (MANE Select); coding-DNA position 1992, A replaced by G.
Protein change: p.Val664=; no amino-acid change (valine 664 retained).
Molecular consequence: synonymous variant.
Genome position (GRCh38, 1-based): chr6:123,224,115, T>C on the plus strand (A>G on the coding strand, the complement: TRDN is on the minus strand). VCF-style: chr6-123224115-T-C. GRCh37 (hg19) VCF-style: chr6-123545260-T-C.
Identifiers: ClinVar variation 4873319 (VCV004873319.2).

ClinVar aggregate classification (germline): Likely benign (1 of 4 stars; one submission).

Submission:

CeGaT Center for Human Genetics Tuebingen
Classification: Likely benign. Last evaluated: 2026-06-01. Review status: criteria provided, single submitter. Criteria: CeGaT Center For Human Genetics Tuebingen Variant Classification Criteria Version 2. Collection method: clinical testing. Allele origin: germline. Affected: yes. Observed: 1 variant allele.
Comment: TRDN: PM2:Supporting, BP4, BP7